The following is an entry in ClinVar:

ClinVar aggregate classification (germline): Likely benign. Review status: criteria provided, multiple submitters, no conflicts (2 of 4 stars). 2 submissions from 2 submitters: Likely benign (2). Last evaluated 2026-07-08.

Conditions:
Rhabdoid tumor predisposition syndrome 2 (RTPS2). Identifiers: Orphanet 231108, Orphanet 69077, MedGen C2750074, MONDO:0013224, OMIM 613325.

Allele frequency attached by ClinVar (database versions not stated): gnomAD 0.00002; ExAC 0.00002; gnomAD exomes 0.00001; TOPMed 0.00002.
gnomAD v4.1: 22 of 1,589,922 alleles (0.0014%); highest among the groups gnomAD compares: African/African-American, 0.0081%; no homozygotes.

Submissions (2):

Myriad Genetics, Inc.
Classification: Likely benign for Rhabdoid tumor predisposition syndrome 2. Last evaluated: 2026-07-08. Review status: criteria provided, single submitter. Criteria: Myriad Autosomal Dominant, Autosomal Recessive and X-Linked Classification Criteria (2023). Collection method: clinical testing. Allele origin: unknown.
Comment: This variant is considered likely benign. This variant is intronic and is not expected to impact mRNA splicing.

Labcorp Genetics (formerly Invitae), Labcorp
Classification: Likely benign for Rhabdoid tumor predisposition syndrome 2. Last evaluated: 2025-12-21. Review status: criteria provided, single submitter. Criteria: Invitae Variant Classification Sherloc (09022015). Collection method: clinical testing. Allele origin: germline.

NM_003072.5(SMARCA4):c.4425-19C>T

Gene: SMARCA4 (SWI/SNF related BAF chromatin remodeling complex subunit ATPase 4; plus strand). Cytogenetic location: 19p13.2.
Variant type: single nucleotide variant.
Coding change: c.4425-19C>T on transcript NM_003072.5 (MANE Select); 19 bases into the intron before coding-DNA position 4425, C replaced by T.
Molecular consequence: intron variant.
Genome position (GRCh38, 1-based): chr19:11,058,236, C>T. VCF-style: chr19-11058236-C-T. GRCh37 (hg19) VCF-style: chr19-11168912-C-T.
Other names: c.4425-19C>T (NM_001128844.3); c.4521-19C>T (NM_001128849.3, NM_001387283.1); c.4326-19C>T (NM_001128847.4, NM_001374457.1); c.4335-19C>T (NM_001128845.2); c.4335-22C>T (NM_001128846.2); c.4326-22C>T (NM_001128848.2).
Identifiers: ClinVar variation 1579318 (VCV001579318.9), dbSNP rs748176071, ClinGen allele CA9204743.